The following is an entry in ClinVar:

ClinVar aggregate classification (germline): Uncertain significance. Review status: criteria provided, multiple submitters, no conflicts (2 of 4 stars). 2 submissions from 2 submitters: Uncertain significance (2). Last evaluated 2024-12-04.

Conditions:
Cystinuria (CSNU). Also called: CYSTINURIA, TYPE I; CYSTINURIA, TYPE II; CYSTINURIA, TYPE III; Cystinuria, non-type I. Identifiers: Orphanet 214, MedGen C0010691, MONDO:0009067, OMIM 220100, HP:0003131.
SLC3A1-related disorder. Also called: SLC3A1-related condition.

gnomAD v4.1: 14 of 1,613,862 alleles (0.00087%); highest among the groups gnomAD compares: Admixed American, 0.012%; no homozygotes.

Submissions (2):

PreventionGenetics, part of Exact Sciences
Classification: Uncertain significance for SLC3A1-related condition. Last evaluated: 2024-12-04. Review status: criteria provided, single submitter. Criteria: ACMG Guidelines, 2015. Collection method: clinical testing. Allele origin: germline.
Comment: The SLC3A1 c.1835C>T variant is predicted to result in the amino acid substitution p.Ser612Leu. To our knowledge, this variant has not been reported in the literature. This variant is reported in 0.020% of alleles in individuals of Latino descent in gnomAD. At this time, the clinical significance of this variant is uncertain due to the absence of conclusive functional and genetic evidence.

Fulgent Genetics
Classification: Uncertain significance for Cystinuria. Last evaluated: 2024-06-20. Review status: criteria provided, single submitter. Criteria: ACMG Guidelines, 2015. Collection method: clinical testing. Allele origin: germline.

NM_000341.4(SLC3A1):c.1835C>T (p.Ser612Leu)

Genes: PREPL (prolyl endopeptidase like; minus strand), SLC3A1 (solute carrier family 3 member 1; plus strand). Cytogenetic location: 2p21.
Variant type: single nucleotide variant.
Coding change: c.1835C>T on transcript NM_000341.4 (MANE Select); coding-DNA position 1835, C replaced by T.
Protein change: p.Ser612Leu; replaces serine 612 with leucine.
Molecular consequence: missense variant. On other transcripts: 3 prime UTR variant (10).
Genome position (GRCh38, 1-based): chr2:44,320,416, C>T. VCF-style: chr2-44320416-C-T. GRCh37 (hg19) VCF-style: chr2-44547555-C-T.
Other names: c.1835C>T (NM_000341.3); c.*940G>A (NM_001042385.2, NM_001042386.2, NM_001171603.1 and 7 more transcripts); short protein forms S612L.
Identifiers: ClinVar variation 3586696 (VCV003586696.2).